The following is an entry in ClinVar:

ClinVar aggregate classification (germline): Benign (1 of 4 stars; one submission).

Conditions:
Diamond-Blackfan anemia 1 (DBA1). Also called: RPS19-Related Diamond-Blackfan Anemia; BLACKFAN-DIAMOND SYNDROME; ANEMIA, CONGENITAL HYPOPLASTIC, OF BLACKFAN AND DIAMOND; ANEMIA, CONGENITAL ERYTHROID HYPOPLASTIC; RED CELL APLASIA, PURE, HEREDITARY; AREGENERATIVE ANEMIA, CHRONIC CONGENITAL. Identifiers: Orphanet 124, MedGen C2676137, MONDO:0007110, OMIM 105650.

Allele frequency attached by ClinVar (database versions not stated): gnomAD 0.00024 and 0.00035; 1000 Genomes Project 30x 0.00125; TOPMed 0.00036; 1000 Genomes Project 0.00160.

Submission:

Illumina Laboratory Services, Illumina
Classification: Benign for Diamond-Blackfan anemia 1. Last evaluated: 2018-01-13. Review status: criteria provided, single submitter. Criteria: ICSL Variant Classification Criteria 13 December 2019. Collection method: clinical testing. Allele origin: germline.
Comment: This variant was observed in the ICSL laboratory as part of a predisposition screen in an ostensibly healthy population. It had not been previously curated by ICSL or reported in the Human Gene Mutation Database (HGMD: prior to June 1st, 2018), and was therefore a candidate for classification through an automated scoring system. Utilizing variant allele frequency, disease prevalence and penetrance estimates, and inheritance mode, an automated score was calculated to assess if this variant is too frequent to cause the disease. Based on the score and internal cut-off values, a variant classified as benign is not then subjected to further curation. The score for this variant resulted in a classification of benign for this disease.

NM_001022.3(RPS19):c.-288A>C

Gene: RPS19 (ribosomal protein S19; plus strand). Cytogenetic location: 19q13.2.
Variant type: single nucleotide variant.
Coding change: c.-288A>C on transcript NM_001022.3; 288 bases upstream of the start codon, A replaced by C.
Genome position (GRCh38, 1-based): chr19:41,860,002, A>C. VCF-style: chr19-41860002-A-C. GRCh37 (hg19) VCF-style: chr19-42364072-A-C.
Identifiers: ClinVar variation 329380 (VCV000329380.7), dbSNP rs192556926, ClinGen allele CA10642886.
Genomic context (GRCh38, chr19:41,860,002, plus strand): 5'-CCACCACTGTTCCTTCCAGCCACGAACGACGCAAACGAAGCCAAGTTCCCCCAGCTCCGA[A>C]CAGGAGCTCTCTATCCTCTCTCTATTACACTCCGGGAGAAGGAAACGCGGGAGGAAACCC-3'